The following is an entry in ClinVar:

ClinVar aggregate classification (germline): Uncertain significance (1 of 4 stars; one submission).

Conditions:
Deficiency of butyryl-CoA dehydrogenase (ACADSD). Also called: Short-Chain Acyl-CoA Dehydrogenase Deficiency; SCAD DEFICIENCY, MILD; ACYL-CoA DEHYDROGENASE, SHORT-CHAIN, DEFICIENCY OF; ACADS DEFICIENCY; SCADH DEFICIENCY; SCAD Deficiency. Identifiers: Orphanet 26792, MedGen C0342783, MONDO:0008722, OMIM 201470. Disease mechanism: May be benign.

Allele frequency attached by ClinVar (database versions not stated): gnomAD exomes below 0.00001 and 0.00003; gnomAD 0.00003; TOPMed 0.00003.

Submission:

Labcorp Genetics (formerly Invitae), Labcorp
Classification: Uncertain significance for Deficiency of butyryl-CoA dehydrogenase. Last evaluated: 2026-01-19. Review status: criteria provided, single submitter. Criteria: Invitae Variant Classification Sherloc (09022015). Collection method: clinical testing. Allele origin: germline.
Comment: This sequence change falls in intron 9 of the ACADS gene. It does not directly change the encoded amino acid sequence of the ACADS protein. It affects a nucleotide within the consensus splice site. This variant is present in population databases (rs776623770, gnomAD 0.009%). This variant has not been reported in the literature in individuals affected with ACADS-related conditions. ClinVar contains an entry for this variant (Variation ID: 1396127). Variants that disrupt the consensus splice site are a relatively common cause of aberrant splicing (PMID: 17576681, 9536098). Algorithms developed to predict the effect of sequence changes on RNA splicing suggest that this variant is not likely to affect RNA splicing. In summary, the available evidence is currently insufficient to determine the role of this variant in disease. Therefore, it has been classified as a Variant of Uncertain Significance.

Literature cited by the submitters: PubMed 17576681; PubMed 9536098.

NM_000017.4(ACADS):c.1086+5G>A

Gene: ACADS (acyl-CoA dehydrogenase short chain; plus strand). Cytogenetic location: 12q24.31.
Variant type: single nucleotide variant.
Coding change: c.1086+5G>A on transcript NM_000017.4 (MANE Select); 5 bases into the intron after coding-DNA position 1086, G replaced by A.
Molecular consequence: intron variant.
Genome position (GRCh38, 1-based): chr12:120,739,201, G>A. VCF-style: chr12-120739201-G-A. GRCh37 (hg19) VCF-style: chr12-121177004-G-A.
Other names: c.1074+5G>A (NM_001302554.2).
Identifiers: ClinVar variation 1396127 (VCV001396127.6), dbSNP rs776623770, ClinGen allele CA244495227.